The following is an entry in ClinVar:

ClinVar aggregate classification (germline): Conflicting classifications of pathogenicity. Review status: criteria provided, conflicting classifications (1 of 4 stars). 5 submissions from 5 submitters: Uncertain significance (4); Likely benign (1). Last evaluated 2025-06-22.

Conditions:
Hereditary cancer-predisposing syndrome. Also called: Tumor predisposition; Hereditary Cancer Syndrome; Hereditary neoplastic syndrome; Neoplastic Syndromes, Hereditary. Identifiers: Orphanet 140162, MedGen C0027672, MeSH D009386, MONDO:0015356.
Cardiovascular phenotype. Identifiers: MedGen CN230736.
Neurofibromatosis-Noonan syndrome (NFNS). Also called: NEUROFIBROMATOSIS WITH NOONAN PHENOTYPE. Identifiers: Orphanet 638, MedGen C2931482, MONDO:0011035, OMIM 601321. Disease mechanism: loss of function.
Café-au-lait macules with pulmonary stenosis (WTSN). Also called: PULMONIC STENOSIS WITH CAFE-AU-LAIT SPOTS. Identifiers: MedGen C0553586, MONDO:0008672, OMIM 193520.
Neurofibromatosis, familial spinal (FSNF). Identifiers: Orphanet 636, MedGen C1834235, MONDO:0008078, OMIM 162210. Disease mechanism: loss of function.
Juvenile myelomonocytic leukemia (JMML). Also called: LEUKEMIA, JUVENILE MYELOMONOCYTIC, SOMATIC. Identifiers: Orphanet 86834, MedGen C0349639, MONDO:0011908, OMIM 607785, HP:0012209.
Neurofibromatosis, type 1 (NF1). Also called: NEUROFIBROMATOSIS, TYPE I, SOMATIC; VON RECKLINGHAUSEN DISEASE; Peripheral type neurofibromatosis; Neurofibromatosis, type I. Identifiers: Orphanet 636, MedGen C0027831, MONDO:0018975, OMIM 162200. Disease mechanism: loss of function.

Allele frequency attached by ClinVar (database versions not stated): TOPMed below 0.00001.

Submissions (5):

Labcorp Genetics (formerly Invitae), Labcorp
Classification: Likely benign for Neurofibromatosis, type 1. Last evaluated: 2025-06-22. Review status: criteria provided, single submitter. Criteria: Invitae Variant Classification Sherloc (09022015). Collection method: clinical testing. Allele origin: germline.

Ambry Genetics
Classification: Uncertain significance for Cardiovascular phenotype; Hereditary cancer-predisposing syndrome. Last evaluated: 2025-04-07. Review status: criteria provided, single submitter. Criteria: Ambry Variant Classification Scheme 2023. Collection method: clinical testing. Allele origin: germline.
Comment: The p.L2618V variant (also known as c.7852C>G), located in coding exon 53 of the NF1 gene, results from a C to G substitution at nucleotide position 7852. The leucine at codon 2618 is replaced by valine, an amino acid with highly similar properties. This amino acid position is conserved. In addition, this alteration is predicted to be deleterious by in silico analysis. Based on the available evidence, the clinical significance of this variant remains unclear.

Genome-Nilou Lab
Classification: Uncertain significance for Neurofibromatosis, type 1. Last evaluated: 2022-03-15. Review status: criteria provided, single submitter. Criteria: ACMG Guidelines, 2015. Collection method: clinical testing. Allele origin: germline. Affected: no.

Fulgent Genetics
Classification: Uncertain significance for Neurofibromatosis, type 1; Neurofibromatosis, familial spinal; Café-au-lait macules with pulmonary stenosis; Neurofibromatosis-Noonan syndrome; Juvenile myelomonocytic leukemia. Last evaluated: 2022-03-05. Review status: criteria provided, single submitter. Criteria: ACMG Guidelines, 2015. Collection method: clinical testing. Allele origin: unknown.

GeneDx
Classification: Uncertain significance. Last evaluated: 2016-11-14. Review status: criteria provided, single submitter. Criteria: GeneDx Variant Classification (06012015). Collection method: clinical testing. Allele origin: germline. Affected: yes.
Comment: The L2618V variant in the NF1 gene has not been published as a pathogenic variant, nor has it been reported as a benign variant to our knowledge. The variant was not observed in approximately 6,500 individuals of European and African American ancestry in the NHLBI Exome Sequencing Project, indicating it is not a common benign variant in these populations. L2618V is a conservative amino acid substitution, which is not likely to impact secondary protein structure as these residues share similar properties. This substitution occurs at a position that is conserved across species; however, in silico analysis is inconsistent in its predictions as to whether or not the variant is damaging to the protein structure/function. Therefore, based on the currently available information, it is unclear whether this variant is a pathogenic variant or a rare benign variant.

NM_001042492.3(NF1):c.7915C>G (p.Leu2639Val)

Gene: NF1 (neurofibromin 1; plus strand). Cytogenetic location: 17q11.2.
Variant type: single nucleotide variant.
Coding change: c.7915C>G on transcript NM_001042492.3 (MANE Select); coding-DNA position 7915, C replaced by G.
Protein change: p.Leu2639Val; replaces leucine 2639 with valine.
Molecular consequence: missense variant.
Genome position (GRCh38, 1-based): chr17:31,357,314, C>G. VCF-style: chr17-31357314-C-G. GRCh37 (hg19) VCF-style: chr17-29684332-C-G.
Other names: c.7852C>G, p.Leu2618Val (NM_000267.4); short protein forms L2618V, L2639V.
Identifiers: ClinVar variation 373344 (VCV000373344.10), dbSNP rs1057518362, ClinGen allele CA16042977.
Genomic context (GRCh38, chr17:31,357,314, plus strand): 5'-TTTGCATCTTGGCAGGCTACACTGGTAAAATATACCACAGATGAGTTTGATCAACGAATT[C>G]TTTATGAATACTTAGCAGAGGCCAGTGTTGTGTTTCCCAAAGTCTTTCCTGTTGTGTAAG-3'
Protein context (NP_001035957.1, residues 2629-2649): YTTDEFDQRI[Leu2639Val]YEYLAEASVV